The following is an entry in ClinVar:

ClinVar aggregate classification (germline): Uncertain significance. Review status: criteria provided, multiple submitters, no conflicts (2 of 4 stars). 5 submissions from 5 submitters: Uncertain significance (5). Last evaluated 2025-08-05.

Conditions:
Inborn genetic diseases. Identifiers: MedGen C0950123, MeSH D030342.
Congenital myotonia, autosomal recessive form. Also called: Becker Generalized Myotonia; BECKER DISEASE; myotonia congenita, autosomal recessive. Identifiers: Orphanet 614, MedGen C0751360, MONDO:0009715, OMIM 255700.
Congenital myotonia, autosomal dominant form (THD). Also called: THOMSEN DISEASE; Myotonia congenita autosomal dominant. Identifiers: Orphanet 614, MedGen C2936781, MONDO:0008055, OMIM 160800.

Allele frequency attached by ClinVar (database versions not stated): gnomAD 0.00001; ExAC 0.00002; gnomAD exomes 0.00002 and 0.00003; 1000 Genomes Project 30x 0.00016; 1000 Genomes Project 0.00020.
gnomAD v4.1: 51 of 1,614,192 alleles (0.0032%); highest among the groups gnomAD compares: Admixed American, 0.0067%; no homozygotes.

Submissions (5):

Ambry Genetics
Classification: Uncertain significance for Inborn genetic diseases. Last evaluated: 2025-08-05. Review status: criteria provided, single submitter. Criteria: Ambry Variant Classification Scheme 2023. Collection method: clinical testing. Allele origin: germline.

GeneDx
Classification: Uncertain significance. Last evaluated: 2023-07-06. Review status: criteria provided, single submitter. Criteria: GeneDx Variant Classification Process June 2021. Collection method: clinical testing. Allele origin: germline. Affected: yes.
Comment: Not observed at significant frequency in large population cohorts (gnomAD); In silico analysis supports that this missense variant does not alter protein structure/function; Has not been previously published as pathogenic or benign to our knowledge

Athena Diagnostics
Classification: Uncertain significance. Last evaluated: 2023-01-27. Review status: criteria provided, single submitter. Criteria: Athena Diagnostics Criteria. Collection method: clinical testing. Allele origin: unknown.
Comment: Available data are insufficient to determine the clinical significance of the variant at this time. The frequency of this variant in the general population is uninformative in assessment of its pathogenicity. Computational tools disagree on the variant's effect on normal protein function.

Labcorp Genetics (formerly Invitae), Labcorp
Classification: Uncertain significance for Congenital myotonia, autosomal recessive form; Congenital myotonia, autosomal dominant form. Last evaluated: 2022-10-03. Review status: criteria provided, single submitter. Criteria: Invitae Variant Classification Sherloc (09022015). Collection method: clinical testing. Allele origin: germline.
Comment: This sequence change replaces valine, which is neutral and non-polar, with methionine, which is neutral and non-polar, at codon 448 of the CLCN1 protein (p.Val448Met). This variant is present in population databases (rs200371691, gnomAD 0.003%). This variant has not been reported in the literature in individuals affected with CLCN1-related conditions. ClinVar contains an entry for this variant (Variation ID: 1491327). Advanced modeling of protein sequence and biophysical properties (such as structural, functional, and spatial information, amino acid conservation, physicochemical variation, residue mobility, and thermodynamic stability) has been performed at Invitae for this missense variant, however the output from this modeling did not meet the statistical confidence thresholds required to predict the impact of this variant on CLCN1 protein function. In summary, the available evidence is currently insufficient to determine the role of this variant in disease. Therefore, it has been classified as a Variant of Uncertain Significance.

Revvity Omics, Revvity
Classification: Uncertain significance. Last evaluated: 2020-10-26. Review status: criteria provided, single submitter. Criteria: ACMG Guidelines, 2015. Collection method: clinical testing. Allele origin: germline.

NM_000083.3(CLCN1):c.1342G>A (p.Val448Met)

Gene: CLCN1 (chloride voltage-gated channel 1; plus strand). Cytogenetic location: 7q34.
Variant type: single nucleotide variant.
Coding change: c.1342G>A on transcript NM_000083.3 (MANE Select); coding-DNA position 1342, G replaced by A.
Protein change: p.Val448Met; replaces valine 448 with methionine.
Molecular consequence: missense variant.
Genome position (GRCh38, 1-based): chr7:143,332,814, G>A. VCF-style: chr7-143332814-G-A. GRCh37 (hg19) VCF-style: chr7-143029907-G-A.
Other names: c.1342G>A (NM_000083.2); short protein forms V448M.
Identifiers: ClinVar variation 1491327 (VCV001491327.9), dbSNP rs200371691, ClinGen allele CA4537325.